The following is an entry in ClinVar:

ClinVar aggregate classification (germline): Uncertain significance (1 of 4 stars; one submission).

Conditions:
Hereditary spastic paraplegia 11. Also called: Nakamura Osame syndrome; Autosomal recessive hereditary spastic paraplegia, mental impairment, and thin corpus callosum; Spastic Paraplegia 11; Spastic paraplegia, mental retardation and thin corpus callosum; SPASTIC PARAPLEGIA, AUTOSOMAL RECESSIVE, COMPLICATED, WITH THIN CORPUS CALLOSUM; SPASTIC PARAPLEGIA, AUTOSOMAL RECESSIVE, WITH MENTAL IMPAIRMENT AND THIN CORPUS CALLOSUM. Identifiers: Orphanet 2822, MedGen C1858479, MONDO:0011445, OMIM 604360.

Allele frequency attached by ClinVar (database versions not stated): gnomAD exomes below 0.00001; TOPMed below 0.00001; gnomAD 0.00001.
gnomAD v4.1: 5 of 1,612,634 alleles (0.00031%); highest among the groups gnomAD compares: African/African-American, 0.0027%; no homozygotes.

Submission:

Labcorp Genetics (formerly Invitae), Labcorp
Classification: Uncertain significance for Hereditary spastic paraplegia 11. Last evaluated: 2021-08-31. Review status: criteria provided, single submitter. Criteria: Invitae Variant Classification Sherloc (09022015). Collection method: clinical testing. Allele origin: germline.
Comment: This sequence change replaces isoleucine with valine at codon 349 of the SPG11 protein (p.Ile349Val). The isoleucine residue is moderately conserved and there is a small physicochemical difference between isoleucine and valine. This variant is not present in population databases (ExAC no frequency). This variant has not been reported in the literature in individuals affected with SPG11-related conditions. Algorithms developed to predict the effect of missense changes on protein structure and function output the following: SIFT: "Tolerated"; PolyPhen-2: "Benign"; Align-GVGD: "Class C0". The valine amino acid residue is found in multiple mammalian species, which suggests that this missense change does not adversely affect protein function. Algorithms developed to predict the effect of sequence changes on RNA splicing suggest that this variant may create or strengthen a splice site. In summary, the available evidence is currently insufficient to determine the role of this variant in disease. Therefore, it has been classified as a Variant of Uncertain Significance.

NM_025137.4(SPG11):c.1045A>G (p.Ile349Val)

Gene: SPG11 (SPG11 vesicle trafficking associated, spatacsin; minus strand). Cytogenetic location: 15q21.1.
Variant type: single nucleotide variant.
Coding change: c.1045A>G on transcript NM_025137.4 (MANE Select); coding-DNA position 1045, A replaced by G.
Protein change: p.Ile349Val; replaces isoleucine 349 with valine.
Molecular consequence: missense variant.
Genome position (GRCh38, 1-based): chr15:44,651,902, T>C on the plus strand (A>G on the coding strand, the complement: SPG11 is on the minus strand). VCF-style: chr15-44651902-T-C. GRCh37 (hg19) VCF-style: chr15-44944100-T-C.
Other names: c.1045A>G, p.Ile349Val (NM_001160227.2); short protein forms I349V.
Identifiers: ClinVar variation 965113 (VCV000965113.7), dbSNP rs889642538, ClinGen allele CA270102680.